The following is an entry in ClinVar:

ClinVar aggregate classification (germline): Uncertain significance (1 of 4 stars; one submission).

Conditions:
Long QT syndrome (LQTS). Identifiers: MedGen C0023976, MeSH D008133, MONDO:0002442. Disease mechanism: loss of function. Inheritance: Various modes of inheritance.

Submission:

Labcorp Genetics (formerly Invitae), Labcorp
Classification: Uncertain significance for Long QT syndrome. Last evaluated: 2025-08-06. Review status: criteria provided, single submitter. Criteria: Invitae Variant Classification Sherloc (09022015). Collection method: clinical testing. Allele origin: germline.
Comment: This sequence change replaces methionine, which is neutral and non-polar, with threonine, which is neutral and polar, at codon 13 of the KCNJ5 protein (p.Met13Thr). This variant is not present in population databases (gnomAD no frequency). This variant has not been reported in the literature in individuals affected with KCNJ5-related conditions. Invitae Evidence Modeling of protein sequence and biophysical properties (such as structural, functional, and spatial information, amino acid conservation, physicochemical variation, residue mobility, and thermodynamic stability) indicates that this missense variant is not expected to disrupt KCNJ5 protein function with a negative predictive value of 95%. In summary, the available evidence is currently insufficient to determine the role of this variant in disease. Therefore, it has been classified as a Variant of Uncertain Significance.

NM_000890.5(KCNJ5):c.38T>C (p.Met13Thr)

Gene: KCNJ5 (potassium inwardly rectifying channel subfamily J member 5; plus strand). Cytogenetic location: 11q24.3.
Variant type: single nucleotide variant.
Coding change: c.38T>C on transcript NM_000890.5 (MANE Select); coding-DNA position 38, T replaced by C.
Protein change: p.Met13Thr; replaces methionine 13 with threonine.
Molecular consequence: missense variant.
Genome position (GRCh38, 1-based): chr11:128,911,311, T>C. VCF-style: chr11-128911311-T-C. GRCh37 (hg19) VCF-style: chr11-128781206-T-C.
Other names: c.38T>C, p.Met13Thr (NM_001354169.2); short protein forms M13T.
Identifiers: ClinVar variation 4779125 (VCV004779125.1).